The following is an entry in ClinVar:

NM_005477.3(HCN4):c.2444G>C (p.Gly815Ala)

Gene: HCN4 (hyperpolarization activated cyclic nucleotide gated potassium channel 4; minus strand). Cytogenetic location: 15q24.1.
Variant type: single nucleotide variant.
Coding change: c.2444G>C on transcript NM_005477.3 (MANE Select); coding-DNA position 2444, G replaced by C.
Protein change: p.Gly815Ala; replaces glycine 815 with alanine.
Molecular consequence: missense variant.
Genome position (GRCh38, 1-based): chr15:73,323,649, C>G on the plus strand (G>C on the coding strand, the complement: HCN4 is on the minus strand). VCF-style: chr15-73323649-C-G. GRCh37 (hg19) VCF-style: chr15-73615990-C-G.
Other names: short protein forms G815A.
Identifiers: ClinVar variation 1501202 (VCV001501202.6), dbSNP rs918010761, ClinGen allele CA272664782.
Genomic context (GRCh38, chr15:73,323,649, plus strand): 5'-GAAGGGATCAGGGACTGCAGCCGTTTCAGGTGCCTTGGCGTCTGCCCGGCACCGAGGTTG[C>G]CCAGCCCAGATCCTGGGGGAGGGCGGAAGATGGCAGCAGGCAGGCGAGGGTGGTGGGTGA-3'
Protein context (NP_005468.1, residues 805-825): IFRPPPGSGL[Gly815Ala]NLGAGQTPRH

ClinVar aggregate classification (germline): Uncertain significance (1 of 4 stars; one submission).

Conditions:
Brugada syndrome 8 (BRGDA8). Identifiers: Orphanet 130, MedGen C2751083, MONDO:0013148, OMIM 613123.

Allele frequency attached by ClinVar (database versions not stated): TOPMed below 0.00001; gnomAD 0.00002.
gnomAD v4.1: 3 of 1,595,636 alleles (0.00019%); highest among the groups gnomAD compares: African/African-American, 0.004%; no homozygotes.

Submission:

Labcorp Genetics (formerly Invitae), Labcorp
Classification: Uncertain significance for Brugada syndrome 8. Last evaluated: 2021-12-01. Review status: criteria provided, single submitter. Criteria: Invitae Variant Classification Sherloc (09022015). Collection method: clinical testing. Allele origin: germline.
Comment: In summary, the available evidence is currently insufficient to determine the role of this variant in disease. Therefore, it has been classified as a Variant of Uncertain Significance. Advanced modeling of protein sequence and biophysical properties (such as structural, functional, and spatial information, amino acid conservation, physicochemical variation, residue mobility, and thermodynamic stability) performed at Invitae indicates that this missense variant is not expected to disrupt HCN4 protein function. This variant has not been reported in the literature in individuals affected with HCN4-related conditions. This variant is present in population databases (no rsID available, gnomAD 0.02%). This sequence change replaces glycine, which is neutral and non-polar, with alanine, which is neutral and non-polar, at codon 815 of the HCN4 protein (p.Gly815Ala).